The following is an entry in ClinVar:

ClinVar aggregate classification (germline): Uncertain significance (1 of 4 stars; one submission).

Allele frequency attached by ClinVar (database versions not stated): TOPMed below 0.00001.

Submission:

Labcorp Genetics (formerly Invitae), Labcorp
Classification: Uncertain significance. Last evaluated: 2024-11-28. Review status: criteria provided, single submitter. Criteria: Invitae Variant Classification Sherloc (09022015). Collection method: clinical testing. Allele origin: germline.
Comment: This sequence change replaces threonine, which is neutral and polar, with arginine, which is basic and polar, at codon 126 of the PODXL protein (p.Thr126Arg). This variant is not present in population databases (gnomAD no frequency). This variant has not been reported in the literature in individuals affected with PODXL-related conditions. ClinVar contains an entry for this variant (Variation ID: 1967869). An algorithm developed to predict the effect of missense changes on protein structure and function (PolyPhen-2) suggests that this variant is likely to be tolerated. In summary, the available evidence is currently insufficient to determine the role of this variant in disease. Therefore, it has been classified as a Variant of Uncertain Significance.

NM_001018111.3(PODXL):c.377C>G (p.Thr126Arg)

Gene: PODXL (podocalyxin like; minus strand). Cytogenetic location: 7q32.3.
Variant type: single nucleotide variant.
Coding change: c.377C>G on transcript NM_001018111.3 (MANE Select); coding-DNA position 377, C replaced by G.
Protein change: p.Thr126Arg; replaces threonine 126 with arginine.
Molecular consequence: missense variant.
Genome position (GRCh38, 1-based): chr7:131,511,157, G>C on the plus strand (C>G on the coding strand, the complement: PODXL is on the minus strand). VCF-style: chr7-131511157-G-C. GRCh37 (hg19) VCF-style: chr7-131195916-G-C.
Other names: c.377C>G, p.Thr126Arg (NM_005397.4); short protein forms T126R.
Identifiers: ClinVar variation 1967869 (VCV001967869.5), dbSNP rs1458147849, ClinGen allele CA369301570.